The following is an entry in ClinVar:

NM_052813.5(CARD9):c.586A>G (p.Lys196Glu)

Gene: CARD9 (caspase recruitment domain family member 9; minus strand). Cytogenetic location: 9q34.3.
Variant type: single nucleotide variant.
Coding change: c.586A>G on transcript NM_052813.5 (MANE Select); coding-DNA position 586, A replaced by G.
Protein change: p.Lys196Glu; replaces lysine 196 with glutamic acid.
Molecular consequence: missense variant.
Genome position (GRCh38, 1-based): chr9:136,370,882, T>C on the plus strand (A>G on the coding strand, the complement: CARD9 is on the minus strand). VCF-style: chr9-136370882-T-C. GRCh37 (hg19) VCF-style: chr9-139265334-T-C.
Other names: c.586A>G, p.Lys196Glu (NM_052814.4); short protein forms K196E.
Identifiers: ClinVar variation 1040574 (VCV001040574.4), dbSNP rs768281299, ClinGen allele CA5333087.

ClinVar aggregate classification (germline): Uncertain significance (1 of 4 stars; one submission).

Conditions:
Predisposition to invasive fungal disease due to CARD9 deficiency (IMD103). Also called: CARD9 IMMUNODEFICIENCY; IMMUNODEFICIENCY 103, SUSCEPTIBILITY TO FUNGAL INFECTIONS; Candidiasis, familial, 2, autosomal recessive. Identifiers: Orphanet 457088, MedGen C1859353, MONDO:0008905, OMIM 212050.

Allele frequency attached by ClinVar (database versions not stated): gnomAD 0.00001; TOPMed 0.00002; ExAC 0.00005; gnomAD exomes 0.00005.
gnomAD v4.1: 27 of 1,606,150 alleles (0.0017%); highest among the groups gnomAD compares: East Asian, 0.034%; no homozygotes.

Submission:

Labcorp Genetics (formerly Invitae), Labcorp
Classification: Uncertain significance for Predisposition to invasive fungal disease due to CARD9 deficiency. Last evaluated: 2022-03-29. Review status: criteria provided, single submitter. Criteria: Invitae Variant Classification Sherloc (09022015). Collection method: clinical testing. Allele origin: germline.
Comment: This sequence change replaces lysine, which is basic and polar, with glutamic acid, which is acidic and polar, at codon 196 of the CARD9 protein (p.Lys196Glu). This variant is present in population databases (rs768281299, gnomAD 0.04%). This variant has not been reported in the literature in individuals affected with CARD9-related conditions. ClinVar contains an entry for this variant (Variation ID: 1040574). Algorithms developed to predict the effect of missense changes on protein structure and function (SIFT, PolyPhen-2, Align-GVGD) all suggest that this variant is likely to be disruptive. In summary, the available evidence is currently insufficient to determine the role of this variant in disease. Therefore, it has been classified as a Variant of Uncertain Significance.